The following is an entry in ClinVar:

NM_021871.4(FGA):c.1444G>A (p.Val482Met)

Gene: FGA (fibrinogen alpha chain; minus strand). Cytogenetic location: 4q31.3.
Variant type: single nucleotide variant.
Coding change: c.1444G>A on transcript NM_021871.4 (MANE Select); coding-DNA position 1444, G replaced by A.
Protein change: p.Val482Met; replaces valine 482 with methionine.
Molecular consequence: missense variant.
Genome position (GRCh38, 1-based): chr4:154,585,985, C>T on the plus strand (G>A on the coding strand, the complement: FGA is on the minus strand). VCF-style: chr4-154585985-C-T. GRCh37 (hg19) VCF-style: chr4-155507137-C-T.
Other names: c.1444G>A (LRG_557t2, NM_000508.4); c.1444G>A, p.Val482Met (NM_000508.5); short protein forms V482M.
Identifiers: ClinVar variation 347810 (VCV000347810.9), dbSNP rs139146037, ClinGen allele CA3115086.
Genomic context (GRCh38, chr4:154,585,985, plus strand): 5'-CAGACAATGTGCCTAAATCCATTGCCTCGGGACAGTCAGAACCATCTTCGGAGGTCACCA[C>T]TTCTTTGGTAACTTCTTTGTGACCATCAGGACCAATAACAGTCTTAGTAACGGTTTTAGA-3'
Protein context (NP_068657.1, residues 472-492): PDGHKEVTKE[Val482Met]VTSEDGSDCP

ClinVar aggregate classification (germline): Conflicting classifications of pathogenicity. Review status: criteria provided, conflicting classifications (1 of 4 stars). 6 submissions from 5 submitters: Uncertain significance (2); Likely benign (4). Last evaluated 2026-06-19.

Conditions:
FGA-related disorder. Also called: FGA-related disorders; FGA-related condition.
Inborn genetic diseases. Identifiers: MedGen C0950123, MeSH D030342.
Congenital afibrinogenemia. Identifiers: Orphanet 335, Orphanet 98880, MedGen C2584774, MONDO:0008737, OMIM 202400.
Familial visceral amyloidosis, Ostertag type (AMYLD2). Also called: AMYLOIDOSIS VIII; Ostertag type amyloidosis; Hereditary Renal Amyloidosis; AMYLOIDOSIS, HEREDITARY SYSTEMIC 2; Familial visceral amyloidosis; Amyloidosis, hepatic and systemic. Identifiers: Orphanet 85450, MedGen C0268389, MONDO:0007099, OMIM 105200.
Familial dysfibrinogenemia. Also called: Dysfibrinogenemia, congenital. Identifiers: Orphanet 335, Orphanet 98881, MedGen C0272350, MONDO:0014452, OMIM 616004.

Allele frequency attached by ClinVar (database versions not stated): gnomAD 0.00005 and 0.00006; ExAC 0.00008; ESP Exome Variant Server 0.00008; gnomAD exomes 0.00010 and 0.00015; TOPMed 0.00012.

Submissions (6):

Women's Health and Genetics/Laboratory Corporation of America, LabCorp
Classification: Uncertain significance. Last evaluated: 2026-06-19. Review status: criteria provided, single submitter. Criteria: LabCorp Variant Classification Summary - May 2015. Collection method: clinical testing. Allele origin: germline.
Comment: Variant summary: FGA c.1444G>A (p.Val482Met) results in a conservative amino acid change in the encoded protein sequence. Algorithms developed to predict the effect of missense changes on protein structure and function all suggest that this variant is likely to be tolerated. The variant allele was found at a frequency of 0.0001 in 251080 control chromosomes. This frequency is not significantly higher than estimated for disease-causing variants in FGA, allowing no conclusion about variant significance. To our knowledge, no occurrence of c.1444G>A in individuals affected with FGA-related conditions and no experimental evidence demonstrating its impact on protein function have been reported. ClinVar contains an entry for this variant (Variation ID: 347810). Based on the evidence outlined above, the variant was classified as uncertain significance.

PreventionGenetics, part of Exact Sciences
Classification: Likely benign for FGA-related condition. Last evaluated: 2025-05-06. Review status: criteria provided, single submitter. Criteria: ACMG Guidelines, 2015. Collection method: clinical testing. Allele origin: germline.
Comment: This variant is classified as likely benign based on ACMG/AMP sequence variant interpretation guidelines (Richards et al. 2015 PMID: 25741868, with internal and published modifications).

Ambry Genetics
Classification: Uncertain significance for Inborn genetic diseases. Last evaluated: 2024-09-08. Review status: criteria provided, single submitter. Criteria: Ambry Variant Classification Scheme 2023. Collection method: clinical testing. Allele origin: germline.

Fulgent Genetics
Classification: Likely benign for Familial visceral amyloidosis, Ostertag type; Congenital afibrinogenemia; Familial dysfibrinogenemia. Last evaluated: 2021-09-16. Review status: criteria provided, single submitter. Criteria: ACMG Guidelines, 2015. Collection method: clinical testing. Allele origin: unknown.

Illumina Laboratory Services, Illumina
Classification: Likely benign for Familial visceral amyloidosis, Ostertag type. Last evaluated: 2017-04-27. Review status: criteria provided, single submitter. Criteria: ICSL Variant Classification Criteria 13 December 2019. Collection method: clinical testing. Allele origin: germline.
Comment: This variant was observed as part of a predisposition screen in an ostensibly healthy population. A literature search was performed for the gene, cDNA change, and amino acid change (where applicable). No publications were found based on this search. Allele frequency data from public databases allowed determination this variant is unlikely to cause disease. Therefore, this variant is classified as likely benign.

Illumina Laboratory Services, Illumina
Classification: Likely benign for Congenital afibrinogenemia. Last evaluated: 2017-04-27. Review status: criteria provided, single submitter. Criteria: ICSL Variant Classification Criteria 13 December 2019. Collection method: clinical testing. Allele origin: germline.
Comment: the same text as in the submission from Illumina Laboratory Services, Illumina above.